The following is an entry in ClinVar:

ClinVar aggregate classification (germline): Pathogenic (1 of 4 stars; one submission).

Conditions:
Autism spectrum disorder - epilepsy - arthrogryposis syndrome (AMRS). Identifiers: Orphanet 370943, MedGen C3809910, MONDO:0014248, OMIM 615553.

Submission:

Labcorp Genetics (formerly Invitae), Labcorp
Classification: Pathogenic for Autism spectrum disorder - epilepsy - arthrogryposis syndrome. Last evaluated: 2023-06-25. Review status: criteria provided, single submitter. Criteria: Invitae Variant Classification Sherloc (09022015). Collection method: clinical testing. Allele origin: germline.
Comment: This variant has not been reported in the literature in individuals affected with SLC35A3-related conditions. Algorithms developed to predict the effect of sequence changes on RNA splicing suggest that this variant may disrupt the consensus splice site. ClinVar contains an entry for this variant (Variation ID: 1996483). This variant is not present in population databases (gnomAD no frequency). This sequence change creates a premature translational stop signal (p.Gln16Argfs*7) in the SLC35A3 gene. It is expected to result in an absent or disrupted protein product. Loss-of-function variants in SLC35A3 are known to be pathogenic (PMID: 24031089, 28328131). For these reasons, this variant has been classified as Pathogenic.

Literature cited by the submitters: PubMed 24031089; PubMed 28328131.

NM_012243.3(SLC35A3):c.45del (p.Gln16fs)

Gene: SLC35A3 (solute carrier family 35 member A3; plus strand). Cytogenetic location: 1p21.2.
Variant type: Deletion.
Coding change: c.45del on transcript NM_012243.3 (MANE Select); coding-DNA position 45, one base deleted (T; older notation c.45delT).
Protein change: p.Gln16fs; shifts the reading frame from glutamine 16.
Molecular consequence: frameshift variant.
Genome position (GRCh38, 1-based): chr1:99,993,599, T deleted; the last of 3 consecutive T bases (chr1:99,993,597-99,993,599); deleting any one gives the same sequence. VCF-style (leftmost placement, unchanged base first): chr1-99993596-CT-C. GRCh37 (hg19) VCF-style: chr1-100459152-CT-C.
Other names: c.45del, p.Gln16fs (NM_001271684.2); c.171del, p.Gln58fs (NM_001271685.2); short protein forms Q58fs, Q16fs.
Identifiers: ClinVar variation 1996483 (VCV001996483.4), dbSNP rs2524360459, ClinGen allele CA2580063357.